The following is an entry in ClinVar:

NM_001377.3(DYNC2H1):c.7028del (p.Gly2343fs)

Gene: DYNC2H1 (dynein cytoplasmic 2 heavy chain 1; plus strand). Cytogenetic location: 11q22.3.
Variant type: Deletion.
Coding change: c.7028del on transcript NM_001377.3 (MANE Select); coding-DNA position 7028, one base deleted (G; older notation c.7028delG).
Protein change: p.Gly2343fs; shifts the reading frame from glycine 2343.
Molecular consequence: frameshift variant.
Genome position (GRCh38, 1-based): chr11:103,187,474, G deleted; the last of 2 consecutive G bases (chr11:103,187,473-103,187,474); deleting either gives the same sequence. VCF-style (leftmost placement, unchanged base first): chr11-103187472-TG-T. GRCh37 (hg19) VCF-style: chr11-103058201-TG-T.
Other names: c.7028del, p.Gly2343fs (NM_001080463.2); short protein forms G2343fs.
Identifiers: ClinVar variation 5014267 (VCV005014267.1).

ClinVar aggregate classification (germline): Pathogenic (1 of 4 stars; one submission).

Conditions:
Asphyxiating thoracic dystrophy 3. Also called: Saldino-Noonan Syndrome; SHORT-RIB THORACIC DYSPLASIA 3 WITH OR WITHOUT POLYDACTYLY; POLYDACTYLY WITH NEONATAL CHONDRODYSTROPHY, TYPE I; SHORT-RIB THORACIC DYSPLASIA 3/6 WITH POLYDACTYLY, DIGENIC; Short rib polydactyly syndrome 2B. Identifiers: Orphanet 474, Orphanet 93269, Orphanet 93270, Orphanet 93271, MedGen C0036069, MONDO:0013127, OMIM 613091.

Submission:

Myriad Genetics, Inc.
Classification: Pathogenic for Asphyxiating thoracic dystrophy 3. Last evaluated: 2025-03-27. Review status: criteria provided, single submitter. Criteria: Myriad Autosomal Dominant, Autosomal Recessive and X-Linked Classification Criteria (2023). Collection method: clinical testing. Allele origin: unknown.
Comment: NM_001377.2(DYNC2H1):c.7028delG(G2343Vfs*16) is expected to be pathogenic in the context of DYNC2H1-related disorders. This variant is predicted to lead to an abnormal or absent protein product due to the creation of a premature termination codon in DYNC2H1, a gene where loss-of-function variants are known to be pathogenic. Please note: this variant was assessed in the context of healthy population screening.